The following is an entry in ClinVar:

ClinVar aggregate classification (germline): Likely benign. Review status: criteria provided, multiple submitters, no conflicts (2 of 4 stars). 8 submissions from 8 submitters: Likely benign (6). 2 of the submissions do not count toward it. Last evaluated 2025-12-26.

Conditions:
TTN-related disorder. Also called: TTN-related condition; TTN-related disease; TTN-related disorders.
Cardiovascular phenotype. Identifiers: MedGen CN230736.
Dilated cardiomyopathy 1G (CMD1G). Identifiers: Orphanet 154, MedGen C1858763, MONDO:0011400, OMIM 604145.
Autosomal recessive limb-girdle muscular dystrophy type 2J (LGMDR10). Also called: Limb-girdle muscular dystrophy, type 2J; MUSCULAR DYSTROPHY, LIMB-GIRDLE, AUTOSOMAL RECESSIVE 10. Identifiers: Orphanet 140922, MedGen C1837342, MONDO:0012127, OMIM 608807.
Tibial muscular dystrophy (TMD). Also called: Udd Distal Myopathy – Tibial Muscular Dystrophy; UDD MYOPATHY; Tibial muscular dystrophy, tardive. Identifiers: Orphanet 609, MedGen C1838244, MONDO:0010870, OMIM 600334.
Myopathy, myofibrillar, 9, with early respiratory failure (MFM9). Also called: Hereditary myopathy with early respiratory failure; EDSTROM MYOPATHY; MYOPATHY, PROXIMAL, WITH EARLY RESPIRATORY MUSCLE INVOLVEMENT; Myopathy, distal, with early respiratory failure, autosomal dominant. Identifiers: Orphanet 178464, Orphanet 34521, MedGen C1863599, MONDO:0011362, OMIM 603689.
Hypertrophic cardiomyopathy 9. Also called: Familial hypertrophic cardiomyopathy 9. Identifiers: MedGen C1861065, MONDO:0013412, OMIM 613765.
Early-onset myopathy with fatal cardiomyopathy (CMYO5). Also called: CONGENITAL MYOPATHY 5 WITH CARDIOMYOPATHY; Salih Myopathy. Identifiers: Orphanet 289377, MedGen C2673677, MONDO:0012714, OMIM 611705. Disease mechanism: loss of function.

Allele frequency attached by ClinVar (database versions not stated): gnomAD exomes 0.00002; gnomAD 0.00011 and 0.00012; TOPMed 0.00011; ExAC 0.00002.

Submissions (8):

Labcorp Genetics (formerly Invitae), Labcorp
Classification: Likely benign for Dilated cardiomyopathy 1G; Autosomal recessive limb-girdle muscular dystrophy type 2J. Last evaluated: 2025-12-26. Review status: criteria provided, single submitter. Criteria: Invitae Variant Classification Sherloc (09022015). Collection method: clinical testing. Allele origin: germline.

PreventionGenetics, part of Exact Sciences
Classification: Likely benign for TTN-related condition. Last evaluated: 2025-07-08. Review status: criteria provided, single submitter. Criteria: ACMG Guidelines, 2015. Collection method: clinical testing. Allele origin: germline.
Comment: This variant is classified as likely benign based on ACMG/AMP sequence variant interpretation guidelines (Richards et al. 2015 PMID: 25741868, with internal and published modifications).

Blueprint Genetics
Classification: Likely benign. Last evaluated: 2024-06-29. Review status: criteria provided, single submitter. Criteria: ACMG Guidelines, 2015. Collection method: clinical testing. Allele origin: germline.

Ambry Genetics
Classification: Likely benign for Cardiovascular phenotype. Last evaluated: 2021-09-21. Review status: criteria provided, single submitter. Criteria: Ambry Variant Classification Scheme 2023. Collection method: clinical testing. Allele origin: germline.

Fulgent Genetics
Classification: Likely benign for Tibial muscular dystrophy; Myopathy, myofibrillar, 9, with early respiratory failure; Dilated cardiomyopathy 1G; Autosomal recessive limb-girdle muscular dystrophy type 2J; Early-onset myopathy with fatal cardiomyopathy; Hypertrophic cardiomyopathy 9. Last evaluated: 2021-07-20. Review status: criteria provided, single submitter. Criteria: ACMG Guidelines, 2015. Collection method: clinical testing. Allele origin: unknown.

Laboratory for Molecular Medicine, Mass General Brigham Personalized Medicine
Classification: Likely benign. Last evaluated: 2014-09-17. Review status: criteria provided, single submitter. Criteria: LMM Criteria. Collection method: clinical testing. Allele origin: germline. Observed: 1 variant allele.
Comment: Leu33126Leu in exon 309 of TTN: This variant is not expected to have clinical si gnificance because it does not alter an amino acid residue and is not located wi thin the splice consensus sequence.

Clinical Genetics DNA and cytogenetics Diagnostics Lab, Erasmus MC, Erasmus Medical Center
Classification: Likely benign. Review status: no assertion criteria provided. Collection method: clinical testing. Allele origin: germline. Affected: yes. Study: VKGL Data-share Consensus. Not counted in ClinVar's aggregate classification.

Diagnostic Laboratory, Department of Genetics, University Medical Center Groningen
Classification: Likely benign. Review status: no assertion criteria provided. Collection method: clinical testing. Allele origin: germline. Affected: yes. Study: VKGL Data-share Consensus. Not counted in ClinVar's aggregate classification.

NM_001267550.2(TTN):c.107082G>A (p.Leu35694=)

Genes: TTN (titin; minus strand), TTN-AS1 (TTN antisense RNA 1; plus strand). Cytogenetic location: 2q31.2.
Variant type: single nucleotide variant.
Coding change: c.107082G>A on transcript NM_001267550.2 (MANE Select); coding-DNA position 107082, G replaced by A.
Protein change: p.Leu35694=; no amino-acid change (leucine 35694 retained).
Molecular consequence: synonymous variant.
Genome position (GRCh38, 1-based): chr2:178,528,669, C>T on the plus strand (G>A on the coding strand, the complement: TTN is on the minus strand). VCF-style: chr2-178528669-C-T. GRCh37 (hg19) VCF-style: chr2-179393396-C-T.
Other names: c.99378G>A, p.Leu33126= (NM_133378.4); c.102159G>A, p.Leu34053= (NM_001256850.1); c.79887G>A, p.Leu26629= (NM_003319.4); c.80262G>A, p.Leu26754= (NM_133432.3); c.80463G>A, p.Leu26821= (NM_133437.4).
Identifiers: ClinVar variation 180004 (VCV000180004.25), dbSNP rs727505278, ClinGen allele CA185614.
Genomic context (GRCh38, chr2:178,528,669, plus strand): 5'-ATTAATATTTTGAGATCTAGGCTGTGAGATGAAGGCTGGAGCATCTGAGAGTTCTTTGCT[C>T]AGTGTCAAATCATACTGACACTTGACGATTCCTTCCTTGGTTTTGCTTATGCAGGTGAGG-3'
Protein context (NP_001254479.2, residues 35684-35704): GIVKCQYDLT[Leu35694=]SKELSDAPAF